The following is an entry in ClinVar:

NM_002448.3(MSX1):c.557C>T (p.Ala186Val)

Gene: MSX1 (msh homeobox 1; plus strand). Cytogenetic location: 4p16.2.
Variant type: single nucleotide variant.
Coding change: c.557C>T on transcript NM_002448.3 (MANE Select); coding-DNA position 557, C replaced by T.
Protein change: p.Ala186Val; replaces alanine 186 with valine.
Molecular consequence: missense variant.
Genome position (GRCh38, 1-based): chr4:4,862,788, C>T. VCF-style: chr4-4862788-C-T. GRCh37 (hg19) VCF-style: chr4-4864515-C-T.
Other names: short protein forms A186V.
Identifiers: ClinVar variation 2069704 (VCV002069704.5), dbSNP rs1737947469, ClinGen allele CA356138356.
Genomic context (GRCh38, chr4:4,862,788, plus strand): 5'-TCCGCAAACACAAGACGAACCGTAAGCCGCGGACGCCCTTCACCACCGCGCAGCTGCTGG[C>T]GCTGGAGCGCAAGTTCCGCCAGAAGCAGTACCTGTCCATCGCCGAGCGCGCGGAGTTCTC-3'
Protein context (NP_002439.2, residues 176-196): RTPFTTAQLL[Ala186Val]LERKFRQKQY

ClinVar aggregate classification (germline): Uncertain significance. Review status: criteria provided, multiple submitters, no conflicts (2 of 4 stars). 2 submissions from 2 submitters: Uncertain significance (2). Last evaluated 2026-06-24.

Conditions:
Inborn genetic diseases. Identifiers: MedGen C0950123, MeSH D030342.
Hypoplastic enamel-onycholysis-hypohidrosis syndrome (TNS). Also called: WITKOP SYNDROME; NAIL DYSPLASIA WITH HYPODONTIA; ECTODERMAL DYSPLASIA 3, WITKOP TYPE; Tooth-and-Nail Syndrome; ECTODERMAL DYSPLASIA 3, TOOTH/NAIL TYPE. Identifiers: Orphanet 2228, MedGen C0406735, MONDO:0008582, OMIM 189500.

Submissions (2):

Ambry Genetics
Classification: Uncertain significance for Inborn genetic diseases. Last evaluated: 2026-06-24. Review status: criteria provided, single submitter. Criteria: Ambry Variant Classification Scheme 2023. Collection method: clinical testing. Allele origin: germline.

Labcorp Genetics (formerly Invitae), Labcorp
Classification: Uncertain significance for Hypoplastic enamel-onycholysis-hypohidrosis syndrome. Last evaluated: 2022-02-28. Review status: criteria provided, single submitter. Criteria: Invitae Variant Classification Sherloc (09022015). Collection method: clinical testing. Allele origin: germline.
Comment: In summary, the available evidence is currently insufficient to determine the role of this variant in disease. Therefore, it has been classified as a Variant of Uncertain Significance. Algorithms developed to predict the effect of missense changes on protein structure and function are either unavailable or do not agree on the potential impact of this missense change (SIFT: "Deleterious"; PolyPhen-2: "Probably Damaging"; Align-GVGD: "Class C0"). This variant has not been reported in the literature in individuals affected with MSX1-related conditions. This variant is not present in population databases (gnomAD no frequency). This sequence change replaces alanine, which is neutral and non-polar, with valine, which is neutral and non-polar, at codon 186 of the MSX1 protein (p.Ala186Val).